The following is an entry in ClinVar:

NM_001853.4(COL9A3):c.974G>A (p.Gly325Asp)

Gene: COL9A3 (collagen type IX alpha 3 chain; plus strand). Cytogenetic location: 20q13.33.
Variant type: single nucleotide variant.
Coding change: c.974G>A on transcript NM_001853.4 (MANE Select); coding-DNA position 974, G replaced by A.
Protein change: p.Gly325Asp; replaces glycine 325 with aspartic acid.
Molecular consequence: missense variant.
Genome position (GRCh38, 1-based): chr20:62,828,942, G>A. VCF-style: chr20-62828942-G-A. GRCh37 (hg19) VCF-style: chr20-61460294-G-A.
Other names: short protein forms G325D.
Identifiers: ClinVar variation 1520816 (VCV001520816.6), dbSNP rs1329402584, ClinGen allele CA409593171.

ClinVar aggregate classification (germline): Uncertain significance (1 of 4 stars; one submission).

Submission:

Labcorp Genetics (formerly Invitae), Labcorp
Classification: Uncertain significance. Last evaluated: 2024-02-05. Review status: criteria provided, single submitter. Criteria: Invitae Variant Classification Sherloc (09022015). Collection method: clinical testing. Allele origin: germline.
Comment: This sequence change replaces glycine, which is neutral and non-polar, with aspartic acid, which is acidic and polar, at codon 325 of the COL9A3 protein (p.Gly325Asp). This variant is not present in population databases (gnomAD no frequency). This variant has not been reported in the literature in individuals affected with COL9A3-related conditions. ClinVar contains an entry for this variant (Variation ID: 1520816). Advanced modeling of protein sequence and biophysical properties (such as structural, functional, and spatial information, amino acid conservation, physicochemical variation, residue mobility, and thermodynamic stability) performed at Invitae indicates that this missense variant is expected to disrupt COL9A3 protein function with a positive predictive value of 95%. In summary, the available evidence is currently insufficient to determine the role of this variant in disease. Therefore, it has been classified as a Variant of Uncertain Significance.